The following is an entry in ClinVar:

NM_000302.4(PLOD1):c.1937A>G (p.Lys646Arg)

Gene: PLOD1 (procollagen-lysine,2-oxoglutarate 5-dioxygenase 1; plus strand). Cytogenetic location: 1p36.22.
Variant type: single nucleotide variant.
Coding change: c.1937A>G on transcript NM_000302.4 (MANE Select); coding-DNA position 1937, A replaced by G.
Protein change: p.Lys646Arg; replaces lysine 646 with arginine.
Molecular consequence: missense variant.
Genome position (GRCh38, 1-based): chr1:11,972,906, A>G. VCF-style: chr1-11972906-A-G. GRCh37 (hg19) VCF-style: chr1-12032963-A-G.
Other names: c.2078A>G, p.Lys693Arg (NM_001316320.2); short protein forms K646R, K693R.
Identifiers: ClinVar variation 459817 (VCV000459817.10), dbSNP rs1221992885, ClinGen allele CA338452314.

ClinVar aggregate classification (germline): Uncertain significance. Review status: criteria provided, multiple submitters, no conflicts (2 of 4 stars). 3 submissions from 3 submitters: Uncertain significance (3). Last evaluated 2026-06-15.

Conditions:
Ehlers-Danlos syndrome, kyphoscoliotic type 1 (EDSKSCL1). Also called: Ehlers-Danlos syndrome, hydroxylysine-deficient; EHLERS-DANLOS SYNDROME, TYPE VIA; EHLERS-DANLOS SYNDROME, OCULAR-SCOLIOTIC TYPE; PLOD1-Related Kyphoscoliotic Ehlers-Danlos Syndrome. Identifiers: Orphanet 1900, MedGen C0268342, MONDO:0016002, OMIM 225400. Disease mechanism: loss of function.

Allele frequency attached by ClinVar (database versions not stated): gnomAD exomes 0.00001 and below 0.00001; TOPMed 0.00002.
gnomAD v4.1: 7 of 1,614,110 alleles (0.00043%); highest among the groups gnomAD compares: Admixed American, 0.01%; no homozygotes.

Submissions (3):

Women's Health and Genetics/Laboratory Corporation of America, LabCorp
Classification: Uncertain significance. Last evaluated: 2026-06-15. Review status: criteria provided, single submitter. Criteria: LabCorp Variant Classification Summary - May 2015. Collection method: clinical testing. Allele origin: germline.

Labcorp Genetics (formerly Invitae), Labcorp
Classification: Uncertain significance for Ehlers-Danlos syndrome, kyphoscoliotic type 1. Last evaluated: 2022-08-09. Review status: criteria provided, single submitter. Criteria: Invitae Variant Classification Sherloc (09022015). Collection method: clinical testing. Allele origin: germline.
Comment: This sequence change replaces lysine, which is basic and polar, with arginine, which is basic and polar, at codon 646 of the PLOD1 protein (p.Lys646Arg). This variant is present in population databases (no rsID available, gnomAD 0.009%). This variant has not been reported in the literature in individuals affected with PLOD1-related conditions. ClinVar contains an entry for this variant (Variation ID: 459817). Algorithms developed to predict the effect of missense changes on protein structure and function (SIFT, PolyPhen-2, Align-GVGD) all suggest that this variant is likely to be tolerated. Algorithms developed to predict the effect of sequence changes on RNA splicing suggest that this variant may create or strengthen a splice site. In summary, the available evidence is currently insufficient to determine the role of this variant in disease. Therefore, it has been classified as a Variant of Uncertain Significance.

Illumina Laboratory Services, Illumina
Classification: Uncertain significance for Ehlers-Danlos syndrome, kyphoscoliotic type 1. Last evaluated: 2018-01-13. Review status: criteria provided, single submitter. Criteria: ICSL Variant Classification Criteria 13 December 2019. Collection method: clinical testing. Allele origin: germline.